The following is an entry in ClinVar:

ClinVar aggregate classification (germline): Uncertain significance (1 of 4 stars; one submission).

Conditions:
SCN2A-related disorder. Also called: SCN2A-related condition; SCN2A-related disorders. Identifiers: MedGen CN382226, MONDO:1060245.

gnomAD v4.1: 4 of 1,613,828 alleles (0.00025%); highest among the groups gnomAD compares: African/African-American, 0.0027%; no homozygotes.

Submission:

PreventionGenetics, part of Exact Sciences
Classification: Uncertain significance for SCN2A-related condition. Last evaluated: 2024-11-07. Review status: criteria provided, single submitter. Criteria: ACMG Guidelines, 2015. Collection method: clinical testing. Allele origin: germline.
Comment: The SCN2A c.3459G>C variant is predicted to result in the amino acid substitution p.Glu1153Asp. To our knowledge, this variant has not been reported in the literature or in a large population database (gnomAD), indicating this variant is rare. At this time, the clinical significance of this variant is uncertain due to the absence of conclusive functional and genetic evidence.

NM_001040142.2(SCN2A):c.3459G>C (p.Glu1153Asp)

Gene: SCN2A (sodium voltage-gated channel alpha subunit 2; plus strand). Cytogenetic location: 2q24.3.
Variant type: single nucleotide variant.
Coding change: c.3459G>C on transcript NM_001040142.2 (MANE Select); coding-DNA position 3459, G replaced by C.
Protein change: p.Glu1153Asp; replaces glutamic acid 1153 with aspartic acid.
Molecular consequence: missense variant.
Genome position (GRCh38, 1-based): chr2:165,365,202, G>C. VCF-style: chr2-165365202-G-C. GRCh37 (hg19) VCF-style: chr2-166221712-G-C.
Other names: c.3459G>C, p.Glu1153Asp (NM_001040143.2, NM_001371246.1, NM_001371247.1 and 1 more transcripts); short protein forms E1153D.
Identifiers: ClinVar variation 4987961 (VCV004987961.1).